The following is an entry in ClinVar:

NM_012210.4(TRIM32):c.757C>T (p.Leu253=)

Genes: ASTN2 (astrotactin 2; minus strand), TRIM32 (tripartite motif containing 32; plus strand). Cytogenetic location: 9q33.1.
Variant type: single nucleotide variant.
Coding change: c.757C>T on transcript NM_012210.4 (MANE Select); coding-DNA position 757, C replaced by T.
Protein change: p.Leu253=; no amino-acid change (leucine 253 retained).
Molecular consequence: synonymous variant. On other transcripts: intron variant (3).
Genome position (GRCh38, 1-based): chr9:116,698,499, C>T. VCF-style: chr9-116698499-C-T. GRCh37 (hg19) VCF-style: chr9-119460778-C-T.
Other names: c.757C>T, p.Leu253= (NM_001099679.2, NM_001379048.1, NM_001379049.1 and 1 more transcripts); c.2653+27272G>A (NM_014010.5); c.2794+27272G>A (NM_001365069.1); c.2806+27272G>A (NM_001365068.1).
Identifiers: ClinVar variation 3035125 (VCV003035125.3), dbSNP rs141308099, ClinGen allele CA198769924.

ClinVar aggregate classification (germline): Likely benign. Review status: criteria provided, single submitter (1 of 4 stars). 2 submissions from 2 submitters: Likely benign (1). 1 of the submissions does not count toward it. Last evaluated 2019-10-07.

Conditions:
TRIM32-related disorder. Also called: TRIM32-related condition.

Submissions (2):

Blueprint Genetics
Classification: Likely benign. Last evaluated: 2019-10-07. Review status: criteria provided, single submitter. Criteria: ACMG Guidelines, 2015. Collection method: clinical testing. Allele origin: germline.

PreventionGenetics, part of Exact Sciences
Classification: Likely benign for TRIM32-related condition. Last evaluated: 2019-08-29. Review status: no assertion criteria provided. Collection method: clinical testing. Allele origin: germline. Not counted in ClinVar's aggregate classification.
Comment: This variant is classified as likely benign based on ACMG/AMP sequence variant interpretation guidelines (Richards et al. 2015 PMID: 25741868, with internal and published modifications).